The following is an entry in ClinVar:

NM_000222.3(KIT):c.1427G>C (p.Ser476Thr)

Gene: KIT (KIT proto-oncogene, receptor tyrosine kinase; plus strand). Cytogenetic location: 4q12.
Variant type: single nucleotide variant.
Coding change: c.1427G>C on transcript NM_000222.3 (MANE Select); coding-DNA position 1427, G replaced by C.
Protein change: p.Ser476Thr; replaces serine 476 with threonine.
Molecular consequence: missense variant.
Genome position (GRCh38, 1-based): chr4:54,725,937, G>C. VCF-style: chr4-54725937-G-C. GRCh37 (hg19) VCF-style: chr4-55592103-G-C.
Other names: c.1427G>C, p.Ser476Thr (NM_001093772.2, NM_001385285.1, NM_001385286.1); c.1430G>C, p.Ser477Thr (NM_001385284.1, NM_001385288.1, NM_001385290.1 and 1 more transcripts); short protein forms S476T, S477T.
Identifiers: ClinVar variation 2076028 (VCV002076028.6), dbSNP rs2109768867, ClinGen allele CA356906370.

ClinVar aggregate classification (germline): Uncertain significance. Review status: criteria provided, multiple submitters, no conflicts (2 of 4 stars). 2 submissions from 2 submitters: Uncertain significance (2). Last evaluated 2024-12-17.

Conditions:
Hereditary cancer-predisposing syndrome. Also called: Hereditary neoplastic syndrome; Neoplastic Syndromes, Hereditary; Hereditary Cancer Syndrome; Tumor predisposition. Identifiers: Orphanet 140162, MedGen C0027672, MeSH D009386, MONDO:0015356.
Gastrointestinal stromal tumor. Also called: Gastrointestinal stroma tumor; Gastrointestinal stromal tumor, somatic. Identifiers: Orphanet 44890, MedGen C0238198, MeSH D046152, MONDO:0011719, OMIM 606764, HP:0100723.

Submissions (2):

Labcorp Genetics (formerly Invitae), Labcorp
Classification: Uncertain significance for Gastrointestinal stromal tumor. Last evaluated: 2024-12-17. Review status: criteria provided, single submitter. Criteria: Invitae Variant Classification Sherloc (09022015). Collection method: clinical testing. Allele origin: germline.
Comment: This sequence change replaces serine, which is neutral and polar, with threonine, which is neutral and polar, at codon 476 of the KIT protein (p.Ser476Thr). This variant is not present in population databases (gnomAD no frequency). This variant has not been reported in the literature in individuals affected with KIT-related conditions. ClinVar contains an entry for this variant (Variation ID: 2076028). An algorithm developed to predict the effect of missense changes on protein structure and function (PolyPhen-2) suggests that this variant is likely to be disruptive. In summary, the available evidence is currently insufficient to determine the role of this variant in disease. Therefore, it has been classified as a Variant of Uncertain Significance.

Ambry Genetics
Classification: Uncertain significance for Hereditary cancer-predisposing syndrome. Last evaluated: 2022-11-18. Review status: criteria provided, single submitter. Criteria: Ambry Variant Classification Scheme 2023. Collection method: clinical testing. Allele origin: germline.
Comment: The p.S476T variant (also known as c.1427G>C), located in coding exon 9 of the KIT gene, results from a G to C substitution at nucleotide position 1427. The serine at codon 476 is replaced by threonine, an amino acid with similar properties. This amino acid position is conserved. In addition, this alteration is predicted to be tolerated by in silico analysis. Since supporting evidence is limited at this time, the clinical significance of this alteration remains unclear.